The following is an entry in ClinVar:

ClinVar aggregate classification (germline): Pathogenic. Review status: criteria provided, multiple submitters, no conflicts (2 of 4 stars). 10 submissions from 10 submitters: Pathogenic (8). 2 of the submissions do not count toward it. Last evaluated 2025-12-08.

Conditions:
PCCB-related disorder. Also called: PCCB-related condition.
Propionic acidemia (PROP). Also called: KETOTIC HYPERGLYCINEMIA; GLYCINEMIA, KETOTIC; HYPERGLYCINEMIA WITH KETOACIDOSIS AND LEUKOPENIA. Identifiers: Orphanet 35, MedGen C0268579, MONDO:0011628, OMIM 606054, HP:0003571.

Submissions (10):

Labcorp Genetics (formerly Invitae), Labcorp
Classification: Pathogenic for Propionic acidemia. Last evaluated: 2025-12-08. Review status: criteria provided, single submitter. Criteria: Invitae Variant Classification Sherloc (09022015). Collection method: clinical testing. Allele origin: germline.
Comment: This sequence change creates a premature translational stop signal (p.Val392Cysfs*2) in the PCCB gene. It is expected to result in an absent or disrupted protein product. Loss-of-function variants in PCCB are known to be pathogenic (PMID: 15464417). This variant is present in population databases (rs753064211, gnomAD 0.02%). This premature translational stop signal has been observed in individuals with propionic acidemia (PMID: 9452096, 9683601, 20549364). ClinVar contains an entry for this variant (Variation ID: 12014). Algorithms developed to predict the effect of sequence changes on RNA splicing suggest that this variant may disrupt the consensus splice site. For these reasons, this variant has been classified as Pathogenic.

Natera, Inc.
Classification: Pathogenic for Propionic acidemia. Last evaluated: 2025-07-29. Review status: criteria provided, single submitter. Criteria: Natera Variant Classification Schema (03/2026). Collection method: clinical testing. Allele origin: germline.
Comment: The c.1173dupT variant in PCCB is a frameshift variant predicted to shift the reading frame beginning at codon 392 and leads to a stop codon 2 codons downstream. This variant is expected to result in nonsense mediated decay, truncation, or a dysfunctional protein product. This variant is rare in the general population with a frequency below the threshold expected for the associated phenotype(s). This variant has been observed in one or more individuals affected with the associated recessive disease, as either homozygous or compound heterozygous with a second variant (PMID: 10780784). Functional studies show that this variant may disrupt protein function (PMID: 10780784). Given the available evidence, this variant is classified as Pathogenic.

Blueprint Genetics
Classification: Pathogenic for PCCB-related disorders. Last evaluated: 2024-08-06. Review status: criteria provided, single submitter. Criteria: ACMG Guidelines, 2015. Collection method: clinical testing. Allele origin: germline. Affected: yes. Observed: 2 variant alleles.

Fulgent Genetics
Classification: Pathogenic for Propionic acidemia. Last evaluated: 2024-04-04. Review status: criteria provided, single submitter. Criteria: ACMG Guidelines, 2015. Collection method: clinical testing. Allele origin: germline.

Baylor Genetics
Classification: Pathogenic for Propionic acidemia. Last evaluated: 2024-03-20. Review status: criteria provided, single submitter. Criteria: ACMG Guidelines, 2015. Collection method: clinical testing. Allele origin: unknown.

GeneDx
Classification: Pathogenic. Last evaluated: 2022-10-13. Review status: criteria provided, single submitter. Criteria: GeneDx Variant Classification Process June 2021. Collection method: clinical testing. Allele origin: germline. Affected: yes.
Comment: Frameshift variant predicted to result in protein truncation or nonsense mediated decay in a gene for which loss-of-function is a known mechanism of disease; This variant is associated with the following publications: (PMID: 9683601, 10780784, 9452096, 20549364, 25865301, 32778825)

Women's Health and Genetics/Laboratory Corporation of America, LabCorp
Classification: Pathogenic for Propionic acidemia. Last evaluated: 2017-03-02. Review status: criteria provided, single submitter. Criteria: LabCorp Variant Classification Summary - May 2015. Collection method: clinical testing. Allele origin: germline.
Comment: Variant summary: The PCCB c.1173dupT (p.Val392Cysfs) variant results in a premature termination codon, predicted to cause a truncated or absent PCCB protein due to nonsense mediated decay, which are commonly known mechanisms for disease. Truncations downstream of this position have been classified as pathogenic by our laboratory (e.g.p.Gly407fs). One in silico tool predicts a damaging outcome for this variant. This variant is one of the most common pathogenic variant in Spanish patients with propionic acidemia and is absent in 121400 control chromosomes. Functional studies showed that the protein levels and PCC activity were extremely low in patients carrying this variant. Taken together, this variant is classified as pathogenic.

Clinical Genetics Service, Universitary Hospital 12 de Octubre
Classification: Pathogenic for Propionic acidemia. Review status: criteria provided, single submitter. Criteria: ACMG Guidelines, 2015. Collection method: clinical testing. Allele origin: paternal. Affected: yes.

Counsyl
Classification: Pathogenic for Propionic acidemia. Last evaluated: 2017-06-30. Review status: no assertion criteria provided. Collection method: clinical testing. Allele origin: unknown. Not counted in ClinVar's aggregate classification.

OMIM
Classification: Pathogenic for PROPIONIC ACIDEMIA. Last evaluated: 1998-08-01. Review status: no assertion criteria provided. Collection method: literature only. Allele origin: germline. Not counted in ClinVar's aggregate classification.

Literature cited by the submitters: PubMed 15464417 (cited by Labcorp Genetics (formerly Invitae), Labcorp); PubMed 9452096 (cited by Labcorp Genetics (formerly Invitae), Labcorp); PubMed 9683601 (cited by 4 submitters); PubMed 20549364 (cited by Labcorp Genetics (formerly Invitae), Labcorp); PubMed 10780784 (cited by Natera, Inc. and Women's Health and Genetics/Laboratory Corporation of America, LabCorp); PubMed 25865301 (cited by Women's Health and Genetics/Laboratory Corporation of America, LabCorp).

NM_000532.5(PCCB):c.1173dup (p.Val392fs)

Gene: PCCB (propionyl-CoA carboxylase subunit beta; plus strand). Cytogenetic location: 3q22.3.
Variant type: Duplication.
Coding change: c.1173dup on transcript NM_000532.5 (MANE Select); coding-DNA position 1173, one base duplicated (T; older notation c.1173dupT).
Protein change: p.Val392fs; shifts the reading frame from valine 392.
Molecular consequence: frameshift variant.
Genome position (GRCh38, 1-based): chr3:136,326,885, T duplicated; the last of 4 consecutive T bases (chr3:136,326,882-136,326,885); duplicating any one gives the same sequence. VCF-style (leftmost placement, unchanged base first): chr3-136326881-C-CT. GRCh37 (hg19) VCF-style: chr3-136045723-C-CT.
Other names: c.1173dupT (NM_000532.5); c.1173dup (NM_000532.4); c.1233dup, p.Val412fs (NM_001178014.2); short protein forms V412fs, V392fs.
Identifiers: ClinVar variation 12014 (VCV000012014.22), dbSNP rs587776758, ClinGen allele CA278123.